The following is an entry in ClinVar:

ClinVar aggregate classification (germline): Uncertain significance. Review status: criteria provided, multiple submitters, no conflicts (2 of 4 stars). 3 submissions from 3 submitters: Uncertain significance (2). 1 of the submissions does not count toward it. Last evaluated 2024-10-23.

Conditions:
Merosin deficient congenital muscular dystrophy (MDC1A). Also called: Congenital Muscular Dystrophy Type 1A (MDC1A); Congenital merosin-deficient muscular dystrophy 1A. Identifiers: Orphanet 258, MedGen C1263858, MONDO:0011925, OMIM 607855.
LAMA2-related muscular dystrophy (LAMA2-RD). Also called: Laminin alpha 2-related dystrophy. Identifiers: MedGen C5679788, MONDO:0100228.

Submissions (3):

Revvity Omics, Revvity
Classification: Uncertain significance. Last evaluated: 2024-10-23. Review status: criteria provided, single submitter. Criteria: ACMG Guidelines, 2015. Collection method: clinical testing. Allele origin: germline.

Labcorp Genetics (formerly Invitae), Labcorp
Classification: Uncertain significance for LAMA2-related muscular dystrophy. Last evaluated: 2022-03-31. Review status: criteria provided, single submitter. Criteria: Invitae Variant Classification Sherloc (09022015). Collection method: clinical testing. Allele origin: germline.
Comment: This variant, c.5665_5667del, results in the deletion of 1 amino acid(s) of the LAMA2 protein (p.Lys1889del), but otherwise preserves the integrity of the reading frame. This variant is present in population databases (rs767066183, gnomAD 0.01%). This variant has not been reported in the literature in individuals affected with LAMA2-related conditions. ClinVar contains an entry for this variant (Variation ID: 554820). Algorithms developed to predict the effect of sequence changes on RNA splicing suggest that this variant may create or strengthen a splice site. In summary, the available evidence is currently insufficient to determine the role of this variant in disease. Therefore, it has been classified as a Variant of Uncertain Significance.

Counsyl
Classification: Uncertain significance for Merosin deficient congenital muscular dystrophy. Last evaluated: 2017-11-08. Review status: no assertion criteria provided. Collection method: clinical testing. Allele origin: unknown. Not counted in ClinVar's aggregate classification.

NM_000426.4(LAMA2):c.5665_5667del (p.Lys1889del)

Gene: LAMA2 (laminin subunit alpha 2; plus strand). Cytogenetic location: 6q22.33.
Variant type: Deletion.
Coding change: c.5665_5667del on transcript NM_000426.4 (MANE Select); coding-DNA positions 5665 to 5667, 3 bases deleted (AAG; older notation c.5665_5667delAAG).
Protein change: p.Lys1889del; deletes lysine 1889.
Molecular consequence: inframe deletion.
Genome position (GRCh38, 1-based): chr6:129,402,426-129,402,428, AAG deleted; deleting any 3 consecutive bases within chr6:129,402,424-129,402,428 gives the same sequence; the c. name uses the placement nearest the transcript's 3' end. VCF-style (leftmost placement, unchanged base first): chr6-129402423-GAGA-G. GRCh37 (hg19) VCF-style: chr6-129723568-GAGA-G.
Other names: c.5665_5667del (NM_000426.3); c.5665_5667del, p.Lys1889del (NM_001079823.2); c.5665_5667delAAG (NM_000426.3); short protein forms K1889del.
Identifiers: ClinVar variation 554820 (VCV000554820.10), dbSNP rs767066183, ClinGen allele CA3993944.
Genomic context (GRCh38, chr6:129,402,423, plus strand): 5'-GAGGAGCTTAATGATAAAATAGATGACCTCTCCCAAGAAATAAAGGACAGGAAGCTTGCT[GAGA>G]AGGTGTCCCAGGCTGAGAGCCACGCAGCTCAGTTGAATGACTCATCTGCTGTCCTTGATG-3'